The following is an entry in ClinVar:

ClinVar aggregate classification (germline): Pathogenic (1 of 4 stars; one submission).

Conditions:
Spastic paraplegia. Identifiers: MedGen C0037772, HP:0001258.

Submission:

Labcorp Genetics (formerly Invitae), Labcorp
Classification: Pathogenic for Spastic paraplegia. Last evaluated: 2019-07-27. Review status: criteria provided, single submitter. Criteria: Invitae Variant Classification Sherloc (09022015). Collection method: clinical testing. Allele origin: germline.
Comment: This sequence change results in a premature translational stop signal in the SACS gene (p.Asn2552Lysfs*3). While this is not anticipated to result in nonsense mediated decay, it is expected to disrupt the last 2028 amino acids of the SACS protein. For these reasons, this variant has been classified as Pathogenic. This variant disrupts the C-terminus of the SACS protein. Other variant(s) that disrupt this region (p.Lys2931Asnfs*22 and p.Arg3903*) have been determined to be pathogenic (PMID: 15486997, 19892370, 21745802). This suggests that variants that disrupt this region of the protein are likely to be causative of disease. This variant has not been reported in the literature in individuals with SACS-related conditions. This variant is not present in population databases (ExAC no frequency).

Literature cited by the submitters: PubMed 15486997; PubMed 19892370; PubMed 21745802.

NM_014363.6(SACS):c.7655dup (p.Asn2552fs)

Gene: SACS (sacsin molecular chaperone; minus strand). Cytogenetic location: 13q12.12.
Variant type: Duplication.
Coding change: c.7655dup on transcript NM_014363.6 (MANE Select); coding-DNA position 7655, one base duplicated (A; older notation c.7655dupA).
Protein change: p.Asn2552fs; shifts the reading frame from asparagine 2552.
Molecular consequence: frameshift variant.
Genome position (GRCh38, 1-based): chr13:23,336,221, T duplicated on the plus strand (A on the coding strand, the reverse complement: SACS is on the minus strand); the first of 4 consecutive T bases (chr13:23,336,221-23,336,224); duplicating any one gives the same sequence. VCF-style (leftmost placement, unchanged base first): chr13-23336220-A-AT. GRCh37 (hg19) VCF-style: chr13-23910359-A-AT.
Other names: c.7214dup, p.Asn2405fs (NM_001278055.2); short protein forms N2405fs, N2552fs.
Identifiers: ClinVar variation 943709 (VCV000943709.9), dbSNP rs1868578034, ClinGen allele CA1139663026.